The following is an entry in ClinVar:

ClinVar aggregate classification (germline): Uncertain significance. Review status: criteria provided, multiple submitters, no conflicts (2 of 4 stars). 2 submissions from 2 submitters: Uncertain significance (2). Last evaluated 2023-03-28.

Conditions:
Congenital myasthenic syndrome 8. Also called: MYASTHENIC SYNDROME, CONGENITAL, DUE TO AGRIN DEFICIENCY; Myasthenic syndrome, congenital, 8, with pre- and postsynaptic defects. Identifiers: Orphanet 590, MedGen C3808739, MONDO:0014052, OMIM 615120.
AGRN-related disorder. Also called: AGRN-related condition.

Allele frequency attached by ClinVar (database versions not stated): ExAC 0.00001; gnomAD 0.00003; TOPMed 0.00003; gnomAD exomes 0.00004.
gnomAD v4.1: 60 of 1,611,602 alleles (0.0037%); highest among the groups gnomAD compares: Admixed American, 0.01%; no homozygotes.

Submissions (2):

PreventionGenetics, part of Exact Sciences
Classification: Uncertain significance for AGRN-related condition. Last evaluated: 2023-03-28. Review status: criteria provided, single submitter. Criteria: ACMG Guidelines, 2015. Collection method: clinical testing. Allele origin: germline.
Comment: The AGRN c.1433C>T variant is predicted to result in the amino acid substitution p.Thr478Met. To our knowledge, this variant has not been reported in the literature. This variant is reported in 0.0086% of alleles in individuals of Latino descent in gnomAD. At this time, the clinical significance of this variant is uncertain due to the absence of conclusive functional and genetic evidence.

Labcorp Genetics (formerly Invitae), Labcorp
Classification: Uncertain significance for Congenital myasthenic syndrome 8. Last evaluated: 2022-05-12. Review status: criteria provided, single submitter. Criteria: Invitae Variant Classification Sherloc (09022015). Collection method: clinical testing. Allele origin: germline.
Comment: This sequence change replaces threonine, which is neutral and polar, with methionine, which is neutral and non-polar, at codon 478 of the AGRN protein (p.Thr478Met). The frequency data for this variant in the population databases is considered unreliable, as metrics indicate poor data quality at this position in the gnomAD database. This variant has not been reported in the literature in individuals affected with AGRN-related conditions. Algorithms developed to predict the effect of missense changes on protein structure and function output the following: SIFT: "Deleterious"; PolyPhen-2: "Possibly Damaging"; Align-GVGD: "Class C0". The methionine amino acid residue is found in multiple mammalian species, which suggests that this missense change does not adversely affect protein function. In summary, the available evidence is currently insufficient to determine the role of this variant in disease. Therefore, it has been classified as a Variant of Uncertain Significance.

NM_198576.4(AGRN):c.1433C>T (p.Thr478Met)

Gene: AGRN (agrin; plus strand). Cytogenetic location: 1p36.33.
Variant type: single nucleotide variant.
Coding change: c.1433C>T on transcript NM_198576.4 (MANE Select); coding-DNA position 1433, C replaced by T.
Protein change: p.Thr478Met; replaces threonine 478 with methionine.
Molecular consequence: missense variant.
Genome position (GRCh38, 1-based): chr1:1,043,287, C>T. VCF-style: chr1-1043287-C-T. GRCh37 (hg19) VCF-style: chr1-978667-C-T.
Other names: c.1433C>T, p.Thr478Met (NM_001305275.2); c.1118C>T, p.Thr373Met (NM_001364727.2); c.1433C>T (NM_198576.3); short protein forms T478M, T373M.
Identifiers: ClinVar variation 2084466 (VCV002084466.2), dbSNP rs766590290, ClinGen allele CA508186.